The following is an entry in ClinVar:

NM_002295.6(RPSA):c.32A>G (p.Lys11Arg)

Gene: RPSA (ribosomal protein SA; plus strand). Cytogenetic location: 3p22.1.
Variant type: single nucleotide variant.
Coding change: c.32A>G on transcript NM_002295.6 (MANE Select); coding-DNA position 32, A replaced by G.
Protein change: p.Lys11Arg; replaces lysine 11 with arginine.
Molecular consequence: missense variant.
Genome position (GRCh38, 1-based): chr3:39,407,685, A>G. VCF-style: chr3-39407685-A-G. GRCh37 (hg19) VCF-style: chr3-39449176-A-G.
Other names: c.32A>G, p.Lys11Arg (NM_001304288.2); short protein forms K11R.
Identifiers: ClinVar variation 3667235 (VCV003667235.2).
Genomic context (GRCh38, chr3:39,407,685, plus strand): 5'-CCGTCGTAACTTAAAGGGAAATTTTCACAATGTCCGGAGCCCTTGATGTCCTGCAAATGA[A>G]GGAGGAGGATGTCCTTAAGTTCCTTGCAGCAGGAACCCACTTAGGTGGCACCAATCTTGA-3'
Protein context (NP_002286.2, residues 1-21): MSGALDVLQM[Lys11Arg]EEDVLKFLAA

ClinVar aggregate classification (germline): Uncertain significance (1 of 4 stars; one submission).

Submission:

Labcorp Genetics (formerly Invitae), Labcorp
Classification: Uncertain significance. Last evaluated: 2024-12-06. Review status: criteria provided, single submitter. Criteria: Invitae Variant Classification Sherloc (09022015). Collection method: clinical testing. Allele origin: germline.
Comment: This sequence change replaces lysine, which is basic and polar, with arginine, which is basic and polar, at codon 11 of the RPSA protein (p.Lys11Arg). This variant is not present in population databases (gnomAD no frequency). This variant has not been reported in the literature in individuals affected with RPSA-related conditions. Invitae Evidence Modeling of protein sequence and biophysical properties (such as structural, functional, and spatial information, amino acid conservation, physicochemical variation, residue mobility, and thermodynamic stability) indicates that this missense variant is not expected to disrupt RPSA protein function with a negative predictive value of 80%. In summary, the available evidence is currently insufficient to determine the role of this variant in disease. Therefore, it has been classified as a Variant of Uncertain Significance.